The following is an entry in ClinVar:

NM_000246.4(CIITA):c.364A>G (p.Ile122Val)

Gene: CIITA (class II major histocompatibility complex transactivator; plus strand). Cytogenetic location: 16p13.13.
Variant type: single nucleotide variant.
Coding change: c.364A>G on transcript NM_000246.4 (MANE Select); coding-DNA position 364, A replaced by G.
Protein change: p.Ile122Val; replaces isoleucine 122 with valine.
Molecular consequence: missense variant. On other transcripts: non-coding transcript variant (1).
Genome position (GRCh38, 1-based): chr16:10,898,930, A>G. VCF-style: chr16-10898930-A-G. GRCh37 (hg19) VCF-style: chr16-10992787-A-G.
Other names: c.367A>G, p.Ile123Val (NM_001286402.1, NM_001379330.1, NM_001379332.1); c.364A>G, p.Ile122Val (NM_001286403.2, NM_001379331.1, NM_001379333.1); c.295A>G, p.Ile99Val (NM_001379334.1); short protein forms I122V, I99V, I123V.
Identifiers: ClinVar variation 959045 (VCV000959045.7), dbSNP rs569955853, ClinGen allele CA7899690.

ClinVar aggregate classification (germline): Uncertain significance (1 of 4 stars; one submission).

Conditions:
MHC class II deficiency. Also called: Bare lymphocyte syndrome 2; BLS, TYPE II. Identifiers: Orphanet 572, MedGen C5447452, MONDO:0008855.

Allele frequency attached by ClinVar (database versions not stated): gnomAD exomes below 0.00001; ExAC 0.00001; gnomAD 0.00001; 1000 Genomes Project 30x 0.00016; 1000 Genomes Project 0.00020.
gnomAD v4.1: 2 of 1,613,994 alleles (0.00012%); highest among the groups gnomAD compares: East Asian, 0.0022%; no homozygotes.

Submission:

Labcorp Genetics (formerly Invitae), Labcorp
Classification: Uncertain significance for MHC class II deficiency. Last evaluated: 2021-08-31. Review status: criteria provided, single submitter. Criteria: Invitae Variant Classification Sherloc (09022015). Collection method: clinical testing. Allele origin: germline.
Comment: This sequence change replaces isoleucine with valine at codon 122 of the CIITA protein (p.Ile122Val). The isoleucine residue is moderately conserved and there is a small physicochemical difference between isoleucine and valine. This variant is present in population databases (rs569955853, ExAC 0.006%). This variant has not been reported in the literature in individuals affected with CIITA-related conditions. Algorithms developed to predict the effect of missense changes on protein structure and function (SIFT, PolyPhen-2, Align-GVGD) all suggest that this variant is likely to be tolerated. Algorithms developed to predict the effect of sequence changes on RNA splicing suggest that this variant may create or strengthen a splice site. In summary, the available evidence is currently insufficient to determine the role of this variant in disease. Therefore, it has been classified as a Variant of Uncertain Significance.